The following is an entry in ClinVar:

NC_000014.8:g.(?_75470100)_(75494246_?)del

Genes: EIF2B2 (eukaryotic translation initiation factor 2B subunit beta; plus strand), MLH3 (mutL homolog 3; minus strand). Cytogenetic location: 14q24.3.
Variant type: Deletion.
Identifiers: ClinVar variation 3244089 (VCV003244089.1).

ClinVar aggregate classification (germline): Pathogenic (1 of 4 stars; one submission).

Submission:

Labcorp Genetics (formerly Invitae), Labcorp
Classification: Pathogenic. Last evaluated: 2023-01-17. Review status: criteria provided, single submitter. Criteria: Invitae Variant Classification Sherloc (09022015). Collection method: clinical testing. Allele origin: unknown.
Comment: For these reasons, this variant has been classified as Pathogenic. This variant disrupts a region of the EIF2B2 protein in which other variant(s) (p.Glu213Gly) have been determined to be pathogenic (PMID: 11704758, 12707859, 15060152, 15136673, 21560189). This suggests that this is a clinically significant region of the protein, and that variants that disrupt it are likely to be disease-causing. This variant has not been reported in the literature in individuals affected with EIF2B2-related conditions. This variant is a gross deletion of the genomic region encompassing exon(s) 3-8 of the EIF2B2 gene, which includes the termination codon. This deletion extends beyond the assayed region for this gene and therefore may encompass additional genes. While this deletion is not anticipated to lead to nonsense mediated decay, it is expected to alter mRNA translation or result in a truncated protein product.

Literature cited by the submitters: PubMed 11704758; PubMed 12707859; PubMed 15060152; PubMed 15136673; PubMed 21560189.